The following is an entry in ClinVar:

ClinVar aggregate classification (germline): Likely benign (1 of 4 stars; one submission).

Allele frequency attached by ClinVar (database versions not stated): ESP Exome Variant Server 0.00094; TOPMed 0.00124; 1000 Genomes Project 0.00200.
gnomAD v4.1: 354 of 1,599,662 alleles (0.022%); highest among the groups gnomAD compares: African/African-American, 0.41%; 2 homozygotes.

Submission:

GeneDx
Classification: Likely benign. Last evaluated: 2017-10-27. Review status: criteria provided, single submitter. Criteria: GeneDx Variant Classification (06012015). Collection method: clinical testing. Allele origin: germline. Affected: yes.
Comment: This variant is considered likely benign or benign based on one or more of the following criteria: it is a conservative change, it occurs at a poorly conserved position in the protein, it is predicted to be benign by multiple in silico algorithms, and/or has population frequency not consistent with disease.

NM_002180.3(IGHMBP2):c.-34C>G

Gene: IGHMBP2 (immunoglobulin mu DNA binding protein 2; plus strand). Cytogenetic location: 11q13.3.
Variant type: single nucleotide variant.
Coding change: c.-34C>G on transcript NM_002180.3 (MANE Select); 34 bases upstream of the start codon, C replaced by G.
Molecular consequence: 5 prime UTR variant.
Genome position (GRCh38, 1-based): chr11:68,903,919, C>G. VCF-style: chr11-68903919-C-G. GRCh37 (hg19) VCF-style: chr11-68671387-C-G.
Identifiers: ClinVar variation 388783 (VCV000388783.1), dbSNP rs199806263, ClinGen allele CA6153146.